The following is an entry in ClinVar:

ClinVar aggregate classification (germline): Benign. Review status: criteria provided, multiple submitters, no conflicts (2 of 4 stars). 4 submissions from 4 submitters: Benign (4). Last evaluated 2025-04-07.

Conditions:
Primary open angle glaucoma (POAG). Also called: OPTN-related open angle glaucoma. Identifiers: MedGen C0339573, MONDO:0100553, OMIM 137760.
Amyotrophic lateral sclerosis type 12 (ALS12). Also called: AMYOTROPHIC LATERAL SCLEROSIS 12 WITH OR WITHOUT FRONTOTEMPORAL DEMENTIA. Identifiers: Orphanet 803, MedGen C3150692, MONDO:0013264, OMIM 613435.
Glaucoma 1, open angle, E. Identifiers: MedGen C1842026, MONDO:0007665.

Allele frequency attached by ClinVar (database versions not stated): gnomAD 0.03259 and 0.03152; gnomAD exomes 0.02508; ESP Exome Variant Server 0.03152; TOPMed 0.03518; 1000 Genomes Project 0.05931; 1000 Genomes Project 30x 0.05949; ExAC 0.02531.
gnomAD v4.1: 24,439 of 1,587,480 alleles (1.5%); highest among the groups gnomAD compares: East Asian, 9.3%; 803 homozygotes.

Submissions (4):

Labcorp Genetics (formerly Invitae), Labcorp
Classification: Benign for Primary open angle glaucoma; Glaucoma 1, open angle, E; Amyotrophic lateral sclerosis type 12. Last evaluated: 2025-04-07. Review status: criteria provided, single submitter. Criteria: Invitae Variant Classification Sherloc (09022015). Collection method: clinical testing. Allele origin: germline.

GeneDx
Classification: Benign. Last evaluated: 2018-10-21. Review status: criteria provided, single submitter. Criteria: GeneDx Variant Classification Process June 2021. Collection method: clinical testing. Allele origin: germline. Affected: yes.
Comment: This variant is associated with the following publications: (PMID: 12939304)

Breakthrough Genomics
Classification: Benign. Review status: criteria provided, single submitter. Criteria: ACMG Guidelines, 2015. Collection method: not provided. Allele origin: germline. Inheritance: Autosomal recessive inheritance. Affected: yes.

PreventionGenetics, part of Exact Sciences
Classification: Benign. Review status: criteria provided, single submitter. Criteria: ACMG Guidelines, 2015. Collection method: clinical testing. Allele origin: germline.

NM_001008212.2(OPTN):c.626+24G>A

Gene: OPTN (optineurin; plus strand). Cytogenetic location: 10p13.
Variant type: single nucleotide variant.
Coding change: c.626+24G>A on transcript NM_001008212.2 (MANE Select); 24 bases into the intron after coding-DNA position 626, G replaced by A.
Molecular consequence: intron variant.
Genome position (GRCh38, 1-based): chr10:13,116,364, G>A. VCF-style: chr10-13116364-G-A. GRCh37 (hg19) VCF-style: chr10-13158364-G-A.
Other names: c.626+24G>A (NM_001008211.1, NM_001008213.1, NM_021980.4).
Identifiers: ClinVar variation 256883 (VCV000256883.18), dbSNP rs11258211, ClinGen allele CA5410692.